The following is an entry in ClinVar:

NM_000038.6(APC):c.2963A>T (p.Glu988Val)

Gene: APC (APC regulator of Wnt signaling pathway; plus strand). Cytogenetic location: 5q22.2.
Variant type: single nucleotide variant.
Coding change: c.2963A>T on transcript NM_000038.6 (MANE Select); coding-DNA position 2963, A replaced by T.
Protein change: p.Glu988Val; replaces glutamic acid 988 with valine.
Molecular consequence: missense variant.
Genome position (GRCh38, 1-based): chr5:112,838,557, A>T. VCF-style: chr5-112838557-A-T. GRCh37 (hg19) VCF-style: chr5-112174254-A-T.
Other names: c.2576A>T, p.Glu859Val (NM_001407469.1, NM_001407467.1); c.2114A>T, p.Glu705Val (NM_001407470.1, NM_001354906.2); c.1811A>T, p.Glu604Val (NM_001407471.1, NM_001407472.1); c.2963A>T, p.Glu988Val (NM_001127510.3, NM_001354895.2, NM_001407450.1); c.2909A>T, p.Glu970Val (NM_001127511.3); c.3017A>T, p.Glu1006Val (NM_001354896.2, NM_001407447.1, NM_001407448.1 and 1 more transcripts); c.2993A>T, p.Glu998Val (NM_001354897.2); c.2888A>T, p.Glu963Val (NM_001354898.2); and 11 more; short protein forms E604V, E897V, E905V, E929V, E970V, E978V, E1006V, E859V.
Identifiers: ClinVar variation 1798187 (VCV001798187.2), dbSNP rs1554084609, ClinGen allele CA16027806.
Genomic context (GRCh38, chr5:112,838,557, plus strand): 5'-GTAGTAGTGATGGTTATGGTAAAAGAGGTCAAATGAAACCCTCGATTGAATCCTATTCTG[A>T]AGATGATGAAAGTAAGTTTTGCAGTTATGGTCAATACCCAGCCGACCTAGCCCATAAAAT-3'
Protein context (NP_000029.2, residues 978-998): QMKPSIESYS[Glu988Val]DDESKFCSYG

ClinVar aggregate classification (germline): Uncertain significance (1 of 4 stars; one submission).

Conditions:
Hereditary cancer-predisposing syndrome. Also called: Neoplastic Syndromes, Hereditary; Tumor predisposition; Hereditary Cancer Syndrome; Hereditary neoplastic syndrome. Identifiers: Orphanet 140162, MedGen C0027672, MeSH D009386, MONDO:0015356.

Submission:

Ambry Genetics
Classification: Uncertain significance for Hereditary cancer-predisposing syndrome. Last evaluated: 2021-05-06. Review status: criteria provided, single submitter. Criteria: Ambry Variant Classification Scheme 2023. Collection method: clinical testing. Allele origin: germline.
Comment: The p.E988V variant (also known as c.2963A>T), located in coding exon 15 of the APC gene, results from an A to T substitution at nucleotide position 2963. The glutamic acid at codon 988 is replaced by valine, an amino acid with dissimilar properties. This amino acid position is well conserved in available vertebrate species. In addition, in silico predictors for this gene do not accurately predict pathogenicity. Since supporting evidence is limited at this time, the clinical significance of this alteration remains unclear.